The following is an entry in ClinVar:

ClinVar aggregate classification (germline): Uncertain significance (1 of 4 stars; one submission).

Conditions:
Charcot-Marie-Tooth disease axonal type 2O. Also called: Charcot-Marie-Tooth disease, axonal, type 20; CHARCOT-MARIE-TOOTH NEUROPATHY, AXONAL, TYPE 2O; CHARCOT-MARIE-TOOTH DISEASE, AXONAL, AUTOSOMAL DOMINANT, TYPE 2O; Charcot-Marie-Tooth Neuropathy Type 2O. Identifiers: Orphanet 284232, MedGen C3280220, MONDO:0013644, OMIM 614228.

Submission:

Labcorp Genetics (formerly Invitae), Labcorp
Classification: Uncertain significance for Charcot-Marie-Tooth disease axonal type 2O. Last evaluated: 2024-09-22. Review status: criteria provided, single submitter. Criteria: Invitae Variant Classification Sherloc (09022015). Collection method: clinical testing. Allele origin: germline.
Comment: This sequence change replaces glutamine, which is neutral and polar, with lysine, which is basic and polar, at codon 273 of the DYNC1H1 protein (p.Gln273Lys). This variant is not present in population databases (gnomAD no frequency). This variant has not been reported in the literature in individuals affected with DYNC1H1-related conditions. Invitae Evidence Modeling of protein sequence and biophysical properties (such as structural, functional, and spatial information, amino acid conservation, physicochemical variation, residue mobility, and thermodynamic stability) indicates that this missense variant is expected to disrupt DYNC1H1 protein function with a positive predictive value of 95%. In summary, the available evidence is currently insufficient to determine the role of this variant in disease. Therefore, it has been classified as a Variant of Uncertain Significance.

NM_001376.5(DYNC1H1):c.817C>A (p.Gln273Lys)

Gene: DYNC1H1 (dynein cytoplasmic 1 heavy chain 1; plus strand). Cytogenetic location: 14q32.31.
Variant type: single nucleotide variant.
Coding change: c.817C>A on transcript NM_001376.5 (MANE Select); coding-DNA position 817, C replaced by A.
Protein change: p.Gln273Lys; replaces glutamine 273 with lysine.
Molecular consequence: missense variant.
Genome position (GRCh38, 1-based): chr14:101,980,406, C>A. VCF-style: chr14-101980406-C-A. GRCh37 (hg19) VCF-style: chr14-102446743-C-A.
Other names: short protein forms Q273K.
Identifiers: ClinVar variation 3636113 (VCV003636113.2).